The following is an entry in ClinVar:

ClinVar aggregate classification (germline): Uncertain significance (1 of 4 stars; one submission).

Submission:

Labcorp Genetics (formerly Invitae), Labcorp
Classification: Uncertain significance. Last evaluated: 2023-02-22. Review status: criteria provided, single submitter. Criteria: Invitae Variant Classification Sherloc (09022015). Collection method: clinical testing. Allele origin: germline.
Comment: In summary, the available evidence is currently insufficient to determine the role of this variant in disease. Therefore, it has been classified as a Variant of Uncertain Significance. This variant disrupts the p.Asp699 amino acid residue in CNGB1. Other variant(s) that disrupt this residue have been observed in individuals with CNGB1-related conditions (PMID: 29068140), which suggests that this may be a clinically significant amino acid residue. Advanced modeling of protein sequence and biophysical properties (such as structural, functional, and spatial information, amino acid conservation, physicochemical variation, residue mobility, and thermodynamic stability) performed at Invitae indicates that this missense variant is expected to disrupt CNGB1 protein function. ClinVar contains an entry for this variant (Variation ID: 1523890). This missense change has been observed in individual(s) with retinitis pigmentosa (Invitae). In at least one individual the data is consistent with being in trans (on the opposite chromosome) from a pathogenic variant. This variant is not present in population databases (gnomAD no frequency). This sequence change replaces aspartic acid, which is acidic and polar, with histidine, which is basic and polar, at codon 699 of the CNGB1 protein (p.Asp699His).

Literature cited by the submitters: PubMed 29068140.

NM_001297.5(CNGB1):c.2095G>C (p.Asp699His)

Gene: CNGB1 (cyclic nucleotide gated channel subunit beta 1; minus strand). Cytogenetic location: 16q21.
Variant type: single nucleotide variant.
Coding change: c.2095G>C on transcript NM_001297.5 (MANE Select); coding-DNA position 2095, G replaced by C.
Protein change: p.Asp699His; replaces aspartic acid 699 with histidine.
Molecular consequence: missense variant.
Genome position (GRCh38, 1-based): chr16:57,917,339, C>G on the plus strand (G>C on the coding strand, the complement: CNGB1 is on the minus strand). VCF-style: chr16-57917339-C-G. GRCh37 (hg19) VCF-style: chr16-57951243-C-G.
Other names: c.2077G>C, p.Asp693His (NM_001286130.2); short protein forms D699H, D693H.
Identifiers: ClinVar variation 1523890 (VCV001523890.8), dbSNP rs746268207, ClinGen allele CA396064202.